The following is an entry in ClinVar:

NM_016203.4(PRKAG2):c.1372T>G (p.Ser458Ala)

Gene: PRKAG2 (protein kinase AMP-activated non-catalytic subunit gamma 2; minus strand). Cytogenetic location: 7q36.1.
Variant type: single nucleotide variant.
Coding change: c.1372T>G on transcript NM_016203.4 (MANE Select); coding-DNA position 1372, T replaced by G.
Protein change: p.Ser458Ala; replaces serine 458 with alanine.
Molecular consequence: missense variant.
Genome position (GRCh38, 1-based): chr7:151,565,747, A>C on the plus strand (T>G on the coding strand, the complement: PRKAG2 is on the minus strand). VCF-style: chr7-151565747-A-C. GRCh37 (hg19) VCF-style: chr7-151262833-A-C.
Other names: c.1240T>G, p.Ser414Ala (NM_001040633.2); c.997T>G, p.Ser333Ala (NM_001304527.2); c.649T>G, p.Ser217Ala (NM_001304531.2, NM_024429.2); c.1000T>G, p.Ser334Ala (NM_001363698.2); short protein forms S458A, S217A, S334A, S414A, S333A.
Identifiers: ClinVar variation 451944 (VCV000451944.5), dbSNP rs1554455000, ClinGen allele CA370070917.
Genomic context (GRCh38, chr7:151,565,747, plus strand): 5'-TTATTTCTGCCTGTCAGCGCCAAACACACAAACCTGACTCATCCACAACAGGCAGAGCTG[A>C]TATTCGTCTTTCCACAAATATGTTCAAGGCTTTGATGATGGGAGTGTCTGGATGTATGAA-3'
Protein context (NP_057287.2, residues 448-468): ALNIFVERRI[Ser458Ala]ALPVVDESGK

ClinVar aggregate classification (germline): Uncertain significance. Review status: criteria provided, multiple submitters, no conflicts (2 of 4 stars). 2 submissions from 2 submitters: Uncertain significance (2). Last evaluated 2019-12-04.

Conditions:
Lethal congenital glycogen storage disease of heart. Also called: GLYCOGEN STORAGE DISEASE OF HEART; PHOSPHORYLASE KINASE DEFICIENCY OF HEART. Identifiers: Orphanet 439854, MedGen C1849813, MONDO:0009867, OMIM 261740.
Hypertrophic cardiomyopathy 6. Identifiers: MedGen C1833236, MONDO:0010946, OMIM 600858.
Wolff-Parkinson-White pattern. Also called: WPW SYNDROME; Auriculoventricular accessory pathway syndrome; False bundle branch block syndrome; Anomalous ventricular excitation syndrome. Identifiers: MedGen C0043202, MONDO:0008685, OMIM 194200, HP:0001716.

Submissions (2):

GeneDx
Classification: Uncertain significance. Last evaluated: 2019-12-04. Review status: criteria provided, single submitter. Criteria: GeneDx Variant Classification Process June 2021. Collection method: clinical testing. Allele origin: germline. Affected: yes.
Comment: Has not been previously published as pathogenic or benign to our knowledge; Not observed in large population cohorts (Lek et al., 2016); In silico analysis, which includes protein predictors and evolutionary conservation, supports a deleterious effect

Center for Genomics, Ann and Robert H. Lurie Children's Hospital of Chicago
Classification: Uncertain significance for Lethal congenital glycogen storage disease of heart; Wolff-Parkinson-White pattern; Hypertrophic cardiomyopathy 6. Review status: criteria provided, single submitter. Criteria: ACMG Guidelines, 2015. Collection method: clinical testing. Allele origin: germline.
Comment: PRKAG2 NM_016203.3 exon 12 p.Ser458Ala (c.1372T>G): This variant has not been reported in the literature and is not present in large control databases. This variant is present in ClinVar (Variation ID:451944). Evolutionary conservation and computational predictive tools suggest that this variant may impact the protein. In summary, data on this variant is insufficient for disease classification. Therefore, the clinical significance of this variant is uncertain.